The following is an entry in ClinVar:

ClinVar aggregate classification (germline): Likely pathogenic (1 of 4 stars; one submission).

Submission:

GeneDx
Classification: Likely pathogenic. Last evaluated: 2018-08-07. Review status: criteria provided, single submitter. Criteria: GeneDx Variant Classification (06012015). Collection method: clinical testing. Allele origin: germline. Affected: yes.
Comment: The c.664_665insA variant in the FGFR1 gene has not been reported previously as a pathogenic variant nor as a benign variant, to our knowledge. The c.664_665insA variant causes a frameshift starting with codon Proline 222, changes this amino acid to a Histidine residue, and creates a premature Stop codon at position 3 of the new reading frame, denoted p.Pro222HisfsX3. This variant is predicted to cause loss of normal protein function either through protein truncation or nonsense-mediated mRNA decay. The c.664_665insA variant is not observed in large population cohorts (Lek et al., 2016). We interpret c.664_665insA as a likely pathogenic variant.

NM_023110.3(FGFR1):c.664_665insA (p.Pro222fs)

Gene: FGFR1 (fibroblast growth factor receptor 1; minus strand). Cytogenetic location: 8p11.23.
Variant type: Insertion.
Coding change: c.664_665insA on transcript NM_023110.3 (MANE Select); coding-DNA positions 664 to 665, A inserted.
Protein change: p.Pro222fs; shifts the reading frame from proline 222.
Molecular consequence: frameshift variant.
Genome position: GRCh38 VCF-style: chr8-38426202-G-GT. GRCh37 (hg19) VCF-style: chr8-38283720-G-GT.
Other names: c.664_665insA, p.Pro222fs (NM_001174063.2); c.640_641insA, p.Pro214fs (NM_001174064.2); c.658_659insA, p.Pro220fs (NM_001174065.2, NM_001354367.2, NM_001354369.2 and 1 more transcripts); c.397_398insA, p.Pro133fs (NM_001174066.2, NM_023105.3); c.757_758insA, p.Pro253fs (NM_001174067.2); c.391_392insA, p.Pro131fs (NM_001354368.2, NM_001354370.2, NM_023106.3); short protein forms P222fs, P214fs, P131fs, P133fs, P220fs, P253fs.
Identifiers: ClinVar variation 817749 (VCV000817749.1), dbSNP rs1586315809, ClinGen allele CA915945655.
Genomic context (GRCh38, chr8:38,426,202, plus strand): 5'-GTGTGGTTGATGCTGCCGTACTCATTCTCCACAATGCAGGTGTAGTTGCCCTTGTCAGAG[G>GT]GCACCACAGAGTCCATTATGATGCTCCAGGTGGCATAACGGACCTGAGGGGAAATGCCAA-3'